The following is an entry in ClinVar:

ClinVar aggregate classification (germline): Pathogenic. Review status: reviewed by expert panel (3 of 4 stars). 5 submissions from 5 submitters: Pathogenic (1). 4 of the submissions do not count toward it. Last evaluated 2017-03-17.

Conditions:
CFTR-related disorder (CFTR-RD). Also called: CFTR-related disorders; CFTR-related condition. Identifiers: MedGen C5924204, MONDO:7770004.
Cystic fibrosis (CF). Also called: MUCOVISCIDOSIS. Identifiers: Orphanet 586, MedGen C0010674, MONDO:0009061, OMIM 219700. Disease mechanism: loss of function.
Bronchiectasis with or without elevated sweat chloride 1 (BESC1). Also called: Cystic Fibrosis-Like Syndrome. Identifiers: Orphanet 60033, MedGen C2749757, MONDO:0008887, OMIM 211400.

Allele frequency attached by ClinVar (database versions not stated): gnomAD exomes below 0.00001; TOPMed below 0.00001.
gnomAD v4.1: 2 of 1,375,750 alleles (0.00015%); highest among the groups gnomAD compares: South Asian, 0.0012%; no homozygotes.

Submissions (5):

CFTR2
Classification: Pathogenic for Cystic fibrosis. Last evaluated: 2017-03-17. Review status: reviewed by expert panel. Criteria: Sosnay PR et al. (Nat Genet 2013). Collection method: research. Allele origin: germline. Affected: yes. Study: CFTR2.

Natera, Inc.
Classification: Pathogenic for CFTR-related disorders. Last evaluated: 2025-03-27. Review status: criteria provided, single submitter. Criteria: Natera Variant Classification Schema (03/2026). Collection method: clinical testing. Allele origin: germline. Not counted in ClinVar's aggregate classification.
Comment: The c.164+1G>A variant in CFTR is a canonical splice donor site variant predicted to affect pre-mRNA splicing, which may result in an abnormal transcript and altered protein product. This variant is expected to result in nonsense mediated decay, truncation, or a dysfunctional protein product. This variant is rare in the general population with a frequency below the threshold expected for the associated phenotype(s). This variant has been observed in one or more individuals affected with the associated recessive disease, as either homozygous or compound heterozygous with a second variant (PMID: 24586523). Functional studies show that this variant may disrupt protein function (PMID: 33085659). Another variant at this same site results in an alteration predicted to cause a similar molecular effect has been observed in individual(s) with the associated phenotype. Given the available evidence, this variant is classified as Pathogenic.

Baylor Genetics
Classification: Pathogenic for Bronchiectasis with or without elevated sweat chloride 1. Last evaluated: 2024-03-24. Review status: criteria provided, single submitter. Criteria: ACMG Guidelines, 2015. Collection method: clinical testing. Allele origin: unknown. Not counted in ClinVar's aggregate classification.

Women's Health and Genetics/Laboratory Corporation of America, LabCorp
Classification: Pathogenic for Cystic fibrosis. Last evaluated: 2024-01-15. Review status: criteria provided, single submitter. Criteria: LabCorp Variant Classification Summary - May 2015. Collection method: clinical testing. Allele origin: germline. Not counted in ClinVar's aggregate classification.
Comment: Variant summary: CFTR c.164+1G>A is located in a canonical splice-site and is predicted to affect mRNA splicing resulting in a significantly altered protein due to either exon skipping, shortening, or inclusion of intronic material. Several computational tools predict a significant impact on normal splicing: Four predict the variant abolishes a 5' splicing donor site. Several publications report experimental evidence that this variant affects mRNA splicing (e.g., Castellani_2008, Joynt_2020). The variant was absent in 249608 control chromosomes (gnomAD). c.164+1G>A has been reported in the literature in individuals affected with Cystic Fibrosis (e.g., Walkowiak_2001, Krenkova_2012, Kalelkar_2022). These data indicate that the variant is likely to be associated with disease. The following publications have been ascertained in the context of this evaluation (PMID: 18456578, 33085659, 34957709, 23276700, 11589722). ClinVar contains an entry for this variant (Variation ID: 53303). Based on the evidence outlined above, the variant was classified as pathogenic.

Johns Hopkins Genomics, Johns Hopkins University
Classification: Pathogenic for Cystic fibrosis. Last evaluated: 2019-03-07. Review status: criteria provided, single submitter. Criteria: ACMG Guidelines, 2015. Collection method: clinical testing. Allele origin: germline. Not counted in ClinVar's aggregate classification.

Literature cited by the submitters: PubMed 24586523 (cited by Natera, Inc.); PubMed 33085659 (cited by Natera, Inc. and Women's Health and Genetics/Laboratory Corporation of America, LabCorp); PubMed 11589722 (cited by Women's Health and Genetics/Laboratory Corporation of America, LabCorp); PubMed 18456578 (cited by Women's Health and Genetics/Laboratory Corporation of America, LabCorp); PubMed 23276700 (cited by Women's Health and Genetics/Laboratory Corporation of America, LabCorp); PubMed 34957709 (cited by Women's Health and Genetics/Laboratory Corporation of America, LabCorp).

NM_000492.4(CFTR):c.164+1G>A

Gene: CFTR (CF transmembrane conductance regulator; plus strand). Cytogenetic location: 7q31.2.
Variant type: single nucleotide variant.
Coding change: c.164+1G>A on transcript NM_000492.4 (MANE Select); the canonical splice donor site of the intron after coding-DNA position 164, G replaced by A.
Molecular consequence: splice donor variant.
Genome position (GRCh38, 1-based): chr7:117,504,364, G>A. VCF-style: chr7-117504364-G-A. GRCh37 (hg19) VCF-style: chr7-117144418-G-A.
Other names: 296+1G>A.
Identifiers: ClinVar variation 53303 (VCV000053303.6), dbSNP rs397508243, ClinGen allele CA326562.
Genomic context (GRCh38, chr7:117,504,364, plus strand): 5'-AGACATATACCAAATCCCTTCTGTTGATTCTGCTGACAATCTATCTGAAAAATTGGAAAG[G>A]TATGTTCATGTACATTGTTTAGTTGAAGAGAGAAATTCATATTATTAATTATTTAGAGAA-3'